The following is an entry in ClinVar:

ClinVar aggregate classification (germline): Uncertain significance (1 of 4 stars; one submission).

Conditions:
Infantile spasms. Also called: Infantile spasm. Identifiers: MedGen C3887898, HP:0012469.

Allele frequency attached by ClinVar (database versions not stated): TOPMed 0.00001.

Submission:

Labcorp Genetics (formerly Invitae), Labcorp
Classification: Uncertain significance for Infantile spasms. Last evaluated: 2022-02-11. Review status: criteria provided, single submitter. Criteria: Invitae Variant Classification Sherloc (09022015). Collection method: clinical testing. Allele origin: germline.
Comment: In summary, the available evidence is currently insufficient to determine the role of this variant in disease. Therefore, it has been classified as a Variant of Uncertain Significance. Algorithms developed to predict the effect of missense changes on protein structure and function (SIFT, PolyPhen-2, Align-GVGD) all suggest that this variant is likely to be tolerated. This variant has not been reported in the literature in individuals affected with PIK3AP1-related conditions. This variant is not present in population databases (gnomAD no frequency). This sequence change replaces phenylalanine, which is neutral and non-polar, with valine, which is neutral and non-polar, at codon 569 of the PIK3AP1 protein (p.Phe569Val).

NM_152309.3(PIK3AP1):c.1705T>G (p.Phe569Val)

Gene: PIK3AP1 (phosphoinositide-3-kinase adaptor protein 1; minus strand). Cytogenetic location: 10q24.1.
Variant type: single nucleotide variant.
Coding change: c.1705T>G on transcript NM_152309.3 (MANE Select); coding-DNA position 1705, T replaced by G.
Protein change: p.Phe569Val; replaces phenylalanine 569 with valine.
Molecular consequence: missense variant.
Genome position (GRCh38, 1-based): chr10:96,623,502, A>C on the plus strand (T>G on the coding strand, the complement: PIK3AP1 is on the minus strand). VCF-style: chr10-96623502-A-C. GRCh37 (hg19) VCF-style: chr10-98383259-A-C.
Other names: short protein forms F569V.
Identifiers: ClinVar variation 1946970 (VCV001946970.5), dbSNP rs1486828333, ClinGen allele CA377755609.